The following is an entry in ClinVar:

NM_005585.5(SMAD6):c.1435C>G (p.Gln479Glu)

Gene: SMAD6 (SMAD family member 6; plus strand). Cytogenetic location: 15q22.31.
Variant type: single nucleotide variant.
Coding change: c.1435C>G on transcript NM_005585.5 (MANE Select); coding-DNA position 1435, C replaced by G.
Protein change: p.Gln479Glu; replaces glutamine 479 with glutamic acid.
Molecular consequence: missense variant. On other transcripts: non-coding transcript variant (1).
Genome position (GRCh38, 1-based): chr15:66,781,479, C>G. VCF-style: chr15-66781479-C-G. GRCh37 (hg19) VCF-style: chr15-67073817-C-G.
Other names: short protein forms Q479E.
Identifiers: ClinVar variation 3661999 (VCV003661999.2).
Genomic context (GRCh38, chr15:66,781,479, plus strand): 5'-TACGACCCCAACAGCGTCCGCATCAGCTTCGCCAAGGGCTGGGGGCCCTGCTACTCCCGG[C>G]AGTTCATCACCTCCTGCCCCTGCTGGCTGGAGATCCTCCTCAACAACCCCAGATAGTGGC-3'
Protein context (NP_005576.3, residues 469-489): AKGWGPCYSR[Gln479Glu]FITSCPCWLE

ClinVar aggregate classification (germline): Uncertain significance (1 of 4 stars; one submission).

Conditions:
Aortic valve disease 2 (AOVD2). Identifiers: MedGen C3542024, MONDO:0013902, OMIM 614823.

Submission:

Labcorp Genetics (formerly Invitae), Labcorp
Classification: Uncertain significance for Aortic valve disease 2. Last evaluated: 2024-08-11. Review status: criteria provided, single submitter. Criteria: Invitae Variant Classification Sherloc (09022015). Collection method: clinical testing. Allele origin: germline.
Comment: This sequence change replaces glutamine, which is neutral and polar, with glutamic acid, which is acidic and polar, at codon 479 of the SMAD6 protein (p.Gln479Glu). This variant is not present in population databases (gnomAD no frequency). This variant has not been reported in the literature in individuals affected with SMAD6-related conditions. Advanced modeling of protein sequence and biophysical properties (such as structural, functional, and spatial information, amino acid conservation, physicochemical variation, residue mobility, and thermodynamic stability) performed at Invitae indicates that this missense variant is expected to disrupt SMAD6 protein function with a positive predictive value of 80%. In summary, the available evidence is currently insufficient to determine the role of this variant in disease. Therefore, it has been classified as a Variant of Uncertain Significance.